The following is an entry in ClinVar:

ClinVar aggregate classification (germline): Uncertain significance (1 of 4 stars; one submission).

Submission:

Labcorp Genetics (formerly Invitae), Labcorp
Classification: Uncertain significance. Last evaluated: 2022-07-26. Review status: criteria provided, single submitter. Criteria: Invitae Variant Classification Sherloc (09022015). Collection method: clinical testing. Allele origin: germline.
Comment: This sequence change replaces serine, which is neutral and polar, with proline, which is neutral and non-polar, at codon 160 of the PEX11B protein (p.Ser160Pro). In summary, the available evidence is currently insufficient to determine the role of this variant in disease. Therefore, it has been classified as a Variant of Uncertain Significance. Algorithms developed to predict the effect of missense changes on protein structure and function are either unavailable or do not agree on the potential impact of this missense change (SIFT: "Deleterious"; PolyPhen-2: "Possibly Damaging"; Align-GVGD: "Class C0"). ClinVar contains an entry for this variant (Variation ID: 1349835). This variant has not been reported in the literature in individuals affected with PEX11B-related conditions. This variant is not present in population databases (gnomAD no frequency).

NM_003846.3(PEX11B):c.478T>C (p.Ser160Pro)

Gene: PEX11B (peroxisomal biogenesis factor 11 beta; minus strand). Cytogenetic location: 1q21.1.
Variant type: single nucleotide variant.
Coding change: c.478T>C on transcript NM_003846.3 (MANE Select); coding-DNA position 478, T replaced by C.
Protein change: p.Ser160Pro; replaces serine 160 with proline.
Molecular consequence: missense variant. On other transcripts: non-coding transcript variant (3).
Genome position (GRCh38, 1-based): chr1:145,912,463, A>G on the plus strand (T>C on the coding strand, the complement: PEX11B is on the minus strand). VCF-style: chr1-145912463-A-G. GRCh37 (hg19) VCF-style: chr1-145522617-T-C.
Other names: c.436T>C, p.Ser146Pro (NM_001184795.1); short protein forms S146P, S160P.
Identifiers: ClinVar variation 1349835 (VCV001349835.6), dbSNP rs1553753297, ClinGen allele CA342121377.